The following is an entry in ClinVar:

ClinVar aggregate classification (germline): Uncertain significance (1 of 4 stars; one submission).

Conditions:
Jeune thoracic dystrophy. Also called: Jeune syndrome; Infantile thoracic dystrophy; Thoracic pelvic phalangeal dystrophy; Jeune's syndrome; Chondroectodermal dysplasia-like syndrome; Short-rib thoracic dysplasia. Identifiers: Orphanet 474, MedGen C0265275, MONDO:0018770.

Allele frequency attached by ClinVar (database versions not stated): TOPMed below 0.00001; ExAC 0.00001; gnomAD 0.00001; gnomAD exomes 0.00001 and 0.00002.
gnomAD v4.1: 5 of 1,612,964 alleles (0.00031%); highest among the groups gnomAD compares: Admixed American, 0.0083%; no homozygotes.

Submission:

Labcorp Genetics (formerly Invitae), Labcorp
Classification: Uncertain significance for Jeune thoracic dystrophy. Last evaluated: 2022-08-05. Review status: criteria provided, single submitter. Criteria: Invitae Variant Classification Sherloc (09022015). Collection method: clinical testing. Allele origin: germline.
Comment: This sequence change replaces aspartic acid, which is acidic and polar, with glycine, which is neutral and non-polar, at codon 543 of the IFT80 protein (p.Asp543Gly). This variant is present in population databases (rs746408528, gnomAD 0.01%). This variant has not been reported in the literature in individuals affected with IFT80-related conditions. ClinVar contains an entry for this variant (Variation ID: 1385867). Algorithms developed to predict the effect of missense changes on protein structure and function (SIFT, PolyPhen-2, Align-GVGD) all suggest that this variant is likely to be tolerated. In summary, the available evidence is currently insufficient to determine the role of this variant in disease. Therefore, it has been classified as a Variant of Uncertain Significance.

NM_020800.3(IFT80):c.1628A>G (p.Asp543Gly)

Genes: TRIM59-IFT80 (TRIM59-IFT80 readthrough (NMD candidate); minus strand), IFT80 (intraflagellar transport 80; minus strand). Cytogenetic location: 3q25.33.
Variant type: single nucleotide variant.
Coding change: c.1628A>G on transcript NM_020800.3 (MANE Select); coding-DNA position 1628, A replaced by G.
Protein change: p.Asp543Gly; replaces aspartic acid 543 with glycine.
Molecular consequence: missense variant. On other transcripts: non-coding transcript variant (3).
Genome position (GRCh38, 1-based): chr3:160,280,703, T>C on the plus strand (A>G on the coding strand, the complement: IFT80 is on the minus strand). VCF-style: chr3-160280703-T-C. GRCh37 (hg19) VCF-style: chr3-159998491-T-C.
Other names: c.1217A>G, p.Asp406Gly (NM_001190241.2, NM_001190242.2); short protein forms D543G, D406G.
Identifiers: ClinVar variation 1385867 (VCV001385867.3), dbSNP rs746408528, ClinGen allele CA2685098.